The following is an entry in ClinVar:

GRCh37/hg19 17q11.2(chr17:29076232-30043725)x1

Genes: ADAP2 (ArfGAP with dual PH domains 2; plus strand), ATAD5 (ATPase family AAA domain containing 5; plus strand), CRLF3 (cytokine receptor like factor 3; minus strand), EVI2A (ecotropic viral integration site 2A; minus strand), EVI2B (ecotropic viral integration site 2B; minus strand) and 6 more. Cytogenetic location: 17q11.2.
Variant type: copy number loss.
Change: copy number 1 (one copy instead of two) of chr17:29,076,232-30,043,725 (967.5 kb, GRCh37 coordinates, 1-based), cytogenetic band 17q11.2.
Identifiers: ClinVar variation 1710521 (VCV001710521.3).

ClinVar aggregate classification (germline): Pathogenic (1 of 4 stars; one submission).

Submission:

Illumina Laboratory Services, Illumina
Classification: Pathogenic. Last evaluated: 2022-02-28. Review status: criteria provided, single submitter. Criteria: ICSL CNVClassificationCriteria Aug2020. Collection method: clinical testing. Allele origin: unknown.
Comment: This CNV is a 967 kb deletion of 17q11.2 on chromosome 17 (seq[GRCh37]del(17)(q11.2); chr17:g. 29076232_30043725del), found in a de novo state. This CNV constitutes a deletion encompassing the following protein coding genes: ADAP2, ATAD5, CRLF3, EVI2A, EVI2B, NF1, OMG, RAB11FIP4, RNF135, TEFM and overlaps the well-described NF1 microdeletion syndrome. The recurrent microdeletion occurs due to nonallelic homologous recombination (NAHR) between low-copy repeats (LCRs) (Buki et al. 2021). Both de novo and inherited pathogenic variants have been reported in the NF1 gene associated with neurofibromatosis 1, characterized by multiple cafe au lait spots, axillary and inguinal freckling, multiple cutaneous neurofibromas, iris Lisch nodules, and choroidal freckling (Firth et al. 2009; Friedman 2019). This CNV has not been reported in controls. Based on the available evidence, this CNV is classified as pathogenic.

Literature cited by the submitters: PubMed 19344873; PubMed 20301288; PubMed 34168676.